The following is an entry in ClinVar:

NM_006440.5(TXNRD2):c.1182+19C>T

Gene: TXNRD2 (thioredoxin reductase 2; minus strand). Cytogenetic location: 22q11.21.
Variant type: single nucleotide variant.
Coding change: c.1182+19C>T on transcript NM_006440.5 (MANE Select); 19 bases into the intron after coding-DNA position 1182, C replaced by T.
Molecular consequence: intron variant.
Genome position (GRCh38, 1-based): chr22:19,880,603, G>A on the plus strand (C>T on the coding strand, the complement: TXNRD2 is on the minus strand). VCF-style: chr22-19880603-G-A. GRCh37 (hg19) VCF-style: chr22-19868126-G-A.
Other names: c.1179+19C>T (NM_001352300.2); c.894+19C>T (NM_001352302.2); c.1092+19C>T (NM_001352301.2).
Identifiers: ClinVar variation 392776 (VCV000392776.6), dbSNP rs377040175, ClinGen allele CA10103769.

ClinVar aggregate classification (germline): Likely benign. Review status: criteria provided, multiple submitters, no conflicts (2 of 4 stars). 2 submissions from 2 submitters: Likely benign (2). Last evaluated 2025-12-08.

Conditions:
Primary dilated cardiomyopathy (DCM). Also called: Dilated Cardiomyopathy. Identifiers: Orphanet 217604, MedGen C0007193, MeSH D002311, MONDO:0005021, HP:0001644. Inheritance: Various modes of inheritance.

Allele frequency attached by ClinVar (database versions not stated): ExAC 0.00003; gnomAD exomes 0.00003 and 0.00007; gnomAD 0.00004 and 0.00005; TOPMed 0.00005; ESP Exome Variant Server 0.00008; 1000 Genomes Project 0.00020; 1000 Genomes Project 30x 0.00047.

Submissions (2):

Labcorp Genetics (formerly Invitae), Labcorp
Classification: Likely benign for Primary dilated cardiomyopathy. Last evaluated: 2025-12-08. Review status: criteria provided, single submitter. Criteria: Invitae Variant Classification Sherloc (09022015). Collection method: clinical testing. Allele origin: germline.

GeneDx
Classification: Likely benign. Last evaluated: 2017-08-08. Review status: criteria provided, single submitter. Criteria: GeneDx Variant Classification (06012015). Collection method: clinical testing. Allele origin: germline. Affected: yes.
Comment: This variant is considered likely benign or benign based on one or more of the following criteria: it is a conservative change, it occurs at a poorly conserved position in the protein, it is predicted to be benign by multiple in silico algorithms, and/or has population frequency not consistent with disease.